The following is an entry in ClinVar:

ClinVar aggregate classification (germline): Likely benign. Review status: criteria provided, multiple submitters, no conflicts (2 of 4 stars). 2 submissions from 2 submitters: Likely benign (2). Last evaluated 2025-05-28.

Conditions:
CFAP410-related disorder. Also called: CFAP410-related condition.

gnomAD v4.1: 23 of 1,552,434 alleles (0.0015%); highest among the groups gnomAD compares: Middle Eastern, 0.033%; no homozygotes.

Submissions (2):

PreventionGenetics, part of Exact Sciences
Classification: Likely benign for CFAP410-related condition. Last evaluated: 2025-05-28. Review status: criteria provided, single submitter. Criteria: ACMG Guidelines, 2015. Collection method: clinical testing. Allele origin: germline.
Comment: This variant is classified as likely benign based on ACMG/AMP sequence variant interpretation guidelines (Richards et al. 2015 PMID: 25741868, with internal and published modifications).

Blueprint Genetics
Classification: Likely benign. Last evaluated: 2021-08-17. Review status: criteria provided, single submitter. Criteria: ACMG Guidelines, 2015. Collection method: clinical testing. Allele origin: germline.

NM_004928.3(CFAP410):c.642+63C>T

Gene: CFAP410 (cilia and flagella associated protein 410; minus strand). Cytogenetic location: 21q22.3.
Variant type: single nucleotide variant.
Coding change: c.642+63C>T on transcript NM_004928.3 (MANE Select); 63 bases into the intron after coding-DNA position 642, C replaced by T.
Molecular consequence: intron variant. On other transcripts: synonymous variant (1).
Genome position (GRCh38, 1-based): chr21:44,330,760, G>A on the plus strand (C>T on the coding strand, the complement: CFAP410 is on the minus strand). VCF-style: chr21-44330760-G-A. GRCh37 (hg19) VCF-style: chr21-45750643-G-A.
Other names: c.702C>T (NM_001271441.1); c.702C>T, p.Thr234= (NM_001271441.2); c.639+63C>T (NM_001271440.2); c.516+63C>T (NM_001271442.1).
Identifiers: ClinVar variation 4946479 (VCV004946479.2).